The following is an entry in ClinVar:

NM_032608.7(MYO18B):c.6029C>T (p.Ala2010Val)

Gene: MYO18B (myosin XVIIIB; plus strand). Cytogenetic location: 22q12.1.
Variant type: single nucleotide variant.
Coding change: c.6029C>T on transcript NM_032608.7 (MANE Select); coding-DNA position 6029, C replaced by T.
Protein change: p.Ala2010Val; replaces alanine 2010 with valine.
Molecular consequence: missense variant.
Genome position (GRCh38, 1-based): chr22:25,955,237, C>T. VCF-style: chr22-25955237-C-T. GRCh37 (hg19) VCF-style: chr22-26351203-C-T.
Other names: c.6032C>T, p.Ala2011Val (NM_001318245.2); c.6029C>T (NM_032608.6); short protein forms A2011V, A2010V.
Identifiers: ClinVar variation 1920683 (VCV001920683.7), dbSNP rs2092835766, ClinGen allele CA411009042.

ClinVar aggregate classification (germline): Uncertain significance. Review status: criteria provided, multiple submitters, no conflicts (2 of 4 stars). 2 submissions from 2 submitters: Uncertain significance (2). Last evaluated 2024-03-19.

Conditions:
Klippel-Feil anomaly-myopathy-facial dysmorphism syndrome. Also called: Klippel-Feil syndrome 4, autosomal recessive, with myopathy and facial dysmorphism; Klippel-feil syndrome 4, autosomal recessive, with nemaline myopathy and facial dysmorphism. Identifiers: Orphanet 447974, MedGen C4225285, MONDO:0014689, OMIM 616549.

Allele frequency attached by ClinVar (database versions not stated): gnomAD 0.00001; gnomAD exomes 0.00001; TOPMed 0.00001.
gnomAD v4.1: 13 of 1,613,186 alleles (0.00081%); highest among the groups gnomAD compares: African/African-American, 0.0027%; no homozygotes.

Submissions (2):

Revvity Omics, Revvity
Classification: Uncertain significance for Klippel-Feil anomaly-myopathy-facial dysmorphism syndrome. Last evaluated: 2024-03-19. Review status: criteria provided, single submitter. Criteria: ACMG Guidelines, 2015. Collection method: clinical testing. Allele origin: germline.

Labcorp Genetics (formerly Invitae), Labcorp
Classification: Uncertain significance. Last evaluated: 2022-04-19. Review status: criteria provided, single submitter. Criteria: Invitae Variant Classification Sherloc (09022015). Collection method: clinical testing. Allele origin: germline.
Comment: This sequence change replaces alanine, which is neutral and non-polar, with valine, which is neutral and non-polar, at codon 2010 of the MYO18B protein (p.Ala2010Val). This variant is not present in population databases (gnomAD no frequency). This variant has not been reported in the literature in individuals affected with MYO18B-related conditions. Algorithms developed to predict the effect of missense changes on protein structure and function output the following: SIFT: "Not Available"; PolyPhen-2: "Benign"; Align-GVGD: "Not Available". The valine amino acid residue is found in multiple mammalian species, which suggests that this missense change does not adversely affect protein function. In summary, the available evidence is currently insufficient to determine the role of this variant in disease. Therefore, it has been classified as a Variant of Uncertain Significance.